The following continues an entry in ClinVar:

NM_000059.4(BRCA2):c.426-12_426-8del

Gene: BRCA2. ClinVar aggregate classification (germline): Conflicting classifications of pathogenicity. Uncertain significance (9); Likely benign (2).

Submissions 8 to 14 of 14:

Sema4
Classification: Uncertain significance for Hereditary cancer-predisposing syndrome. Last evaluated: 2021-12-07. Review status: criteria provided, single submitter. Criteria: Sema4 Curation Guidelines. Collection method: curation. Allele origin: germline.
Comment: The BRCA2 c.426-15_426-11delTTTGT variant has been reported in heterozygosity in at least 5 individuals with breast and ovarian cancer (PMID: 16162645, 19070627, 31980526, 30675319, 18446624). It is also known as IVS4-12del5 in the literature. This variant is not reported in the population database Genome Aggregation Database (PMID: 32461654). This variant has been reported in ClinVar (Variation ID: 51619). Mini-gene assays and mRNA studies have shown that the variant increases the rate of exon 5 skipping (PMID: 30883759, 31642931, 19070627). The evidence is insufficient to meet ACMG/AMP criteria for classifying the variant as benign or pathogenic. Thus, the clinical significance of this variant is currently uncertain.

CeGaT Center for Human Genetics Tuebingen
Classification: Uncertain significance. Last evaluated: 2021-08-01. Review status: criteria provided, single submitter. Criteria: CeGaT Center For Human Genetics Tuebingen Variant Classification Criteria Version 2. Collection method: clinical testing. Allele origin: germline. Affected: yes. Observed: 2 variant alleles.

Ambry Genetics
Classification: Uncertain significance for Hereditary cancer-predisposing syndrome. Last evaluated: 2020-08-20. Review status: criteria provided, single submitter. Criteria: Ambry Variant Classification Scheme 2023. Collection method: clinical testing. Allele origin: germline.
Comment: The c.426-12_426-8delGTTTT intronic variant, results from a deletion of 5 intronic nucleotides upstream of coding exon 4 in the BRCA2 gene. This alteration, designated as IVS4-12del5, was identified in a family with melanoma, breast and pancreatic cancer and segregated with disease in this family. Furthermore, a breast tumor from this family showed loss of heterozygosity for BRCA2 (Zhang L et al. Mutat. Res. 2009 Apr;663:84-9). This variant has been shown to cause incomplete exon skipping, leading to a frameshift and creation of a premature alternative stop codon (Zhang L et al. Mutat. Res. 2009 Apr;663:84-9; Sanz DJ et al. Clin. Cancer Res. 2010 Mar;16:1957-67; Whiley PJ et al. Hum. Mutat. 2011 Jun;32:678-87; Whiley PJ et al. Clin. Chem. 2014 Feb;60:341-52). In addition, internal, quantitative RNA studies have demonstrated this alteration results in a substantial amount of abnormal splicing. However, this alteration has also been reported in trans with other pathogenic BRCA2 variants in patients of unknown age and phenotype who do not have overt symptoms of Fanconi Anemia (Ambry internal data; Nix, P et al. JCO Prec. Onc. 2020 June;4:790-35). Since supporting evidence is conflicting at this time, the clinical significance of this alteration remains unclear.

Clinical Genetics DNA and cytogenetics Diagnostics Lab, Erasmus MC, Erasmus Medical Center
Classification: Uncertain significance for Breast-ovarian cancer, familial, susceptibility to, 2. Last evaluated: 2015-09-21. Review status: criteria provided, single submitter. Criteria: ACGS Guidelines, 2013. Collection method: clinical testing. Allele origin: germline. Affected: yes. Study: VKGL Data-share Consensus.

Research Molecular Genetics Laboratory, Women's College Hospital, University of Toronto
Classification: Uncertain significance. Last evaluated: 2014-01-31. Review status: no assertion criteria provided. Collection method: research. Allele origin: germline. Affected: yes. Study: The Canadian Open Genetics Repository (COGR). Not counted in ClinVar's aggregate classification.

Breast Cancer Information Core (BIC) (BRCA2)
Classification: Uncertain significance for Breast-ovarian cancer, familial 2. Last evaluated: 2004-02-20. Review status: no assertion criteria provided. Collection method: clinical testing. Allele origin: germline. Affected: yes. Observed: 1 variant allele. Not counted in ClinVar's aggregate classification.

Diagnostic Laboratory, Department of Genetics, University Medical Center Groningen
Classification: Uncertain significance for Breast-ovarian cancer, familial, susceptibility to, 2. Review status: no assertion criteria provided. Collection method: clinical testing. Allele origin: germline. Affected: yes. Study: VKGL Data-share Consensus. Not counted in ClinVar's aggregate classification.

Literature cited by the submitters: PubMed 21702907 (cited by Women's Health and Genetics/Laboratory Corporation of America, LabCorp); PubMed 21394826 (cited by 4 submitters); PubMed 20215541 (cited by 4 submitters); PubMed 24212087 (cited by 3 submitters); PubMed 18446624 (cited by 5 submitters); PubMed 19070627 (cited by 6 submitters); PubMed 26681312 (cited by Women's Health and Genetics/Laboratory Corporation of America, LabCorp and Quest Diagnostics Nichols Institute San Juan Capistrano); PubMed 27060066 (cited by 4 submitters); PubMed 29750258 (cited by Women's Health and Genetics/Laboratory Corporation of America, LabCorp); PubMed 29774201 (cited by 3 submitters); PubMed 26992833 (cited by Women's Health and Genetics/Laboratory Corporation of America, LabCorp); PubMed 30883759 (cited by 4 submitters); PubMed 30675319 (cited by 5 submitters); PubMed 31642931 (cited by 3 submitters); PubMed 31980526 (cited by 3 submitters); PubMed 32133419 (cited by 3 submitters); PubMed 35050751 (cited by 3 submitters); PubMed 41172994 (cited by Women's Health and Genetics/Laboratory Corporation of America, LabCorp); PubMed 10923033 (cited by Color Diagnostics, LLC DBA Color Health); PubMed 16162645 (cited by 5 submitters).